The following is an entry in ClinVar:

ClinVar aggregate classification (germline): Likely pathogenic (1 of 4 stars; one submission).

Conditions:
Sandhoff disease. Also called: GM2-GANGLIOSIDOSIS, TYPE II; HEXOSAMINIDASES A AND B DEFICIENCY; Beta-hexosaminidase-beta-subunit deficiency; GM2 gangliosidosis, type 2; Total hexosaminidase deficiency; Sandhoff-Jatzkewitz-Pilz disease. Identifiers: Orphanet 796, MedGen C0036161, MONDO:0010006, OMIM 268800.

Submission:

Natera, Inc.
Classification: Likely pathogenic for Sandhoff disease. Last evaluated: 2024-11-12. Review status: criteria provided, single submitter. Criteria: Natera Variant Classification Schema (03/2026). Collection method: clinical testing. Allele origin: germline.
Comment: The c.1636_1639dup variant in HEXB is a frameshift variant predicted to shift the reading frame beginning at codon 547 and leads to a stop codon 7 codons downstream. This variant is expected to result in nonsense mediated decay, truncation, or a dysfunctional protein product. This variant is rare in the general population with a frequency below the threshold expected for the associated phenotype(s). Given the available evidence, this variant is classified as Likely Pathogenic.

NM_000521.4(HEXB):c.1636_1639dup (p.Tyr547fs)

Gene: HEXB (hexosaminidase subunit beta; plus strand). Cytogenetic location: 5q13.3.
Variant type: Duplication.
Coding change: c.1636_1639dup on transcript NM_000521.4 (MANE Select); coding-DNA positions 1636 to 1639, 4 bases duplicated (CTTT; older notation c.1636_1639dupCTTT).
Protein change: p.Tyr547fs; shifts the reading frame from tyrosine 547.
Molecular consequence: frameshift variant.
Genome position (GRCh38, 1-based): chr5:74,721,140-74,721,143, CTTT duplicated; duplicating any 4 consecutive bases within chr5:74,721,139-74,721,143 gives the same sequence; the c. name uses the placement nearest the transcript's 3' end. VCF-style (leftmost placement, unchanged base first): chr5-74721138-C-CTCTT. GRCh37 (hg19) VCF-style: chr5-74016963-C-CTCTT.
Other names: c.961_964dup, p.Tyr322fs (NM_001292004.2); short protein forms Y322fs, Y547fs.
Identifiers: ClinVar variation 4814288 (VCV004814288.1).